The following is an entry in ClinVar:

ClinVar aggregate classification (germline): Pathogenic (1 of 4 stars; one submission).

Conditions:
Combined malonic and methylmalonic acidemia. Identifiers: Orphanet 289504, MedGen C3280314, MONDO:0013661, OMIM 614265.

Submission:

Labcorp Genetics (formerly Invitae), Labcorp
Classification: Pathogenic for Combined malonic and methylmalonic acidemia. Last evaluated: 2020-09-19. Review status: criteria provided, single submitter. Criteria: Invitae Variant Classification Sherloc (09022015). Collection method: clinical testing. Allele origin: germline.
Comment: This variant is a gross deletion of the genomic region encompassing exon(s) 3-6 of the ACSF3 gene, which includes the initiator codon. The 5' end of this event is unknown as it extends beyond the assayed region for this gene and therefore may encompass additional genes. The 3' boundary is likely confined to intron 6 of the ACSF3 gene. This is expected to result in an absent or disrupted protein product. This variant has not been reported in the literature in individuals with ACSF3-related conditions. Loss-of-function variants in ACSF3 are known to be pathogenic (PMID: 21841779, 26827111). For these reasons, this variant has been classified as Pathogenic.

Literature cited by the submitters: PubMed 21841779; PubMed 26827111.

NC_000016.9:g.(?_89167070)_(89180915_?)del

Gene: ACSF3 (acyl-CoA synthetase family member 3; plus strand). Cytogenetic location: 16q24.3.
Variant type: Deletion.
Identifiers: ClinVar variation 1072095 (VCV001072095.5).